The following is an entry in ClinVar:

NC_000016.9:g.(?_1264952)_(1270994_?)dup

Gene: CACNA1H (calcium voltage-gated channel subunit alpha1 H; plus strand). Cytogenetic location: 16p13.3.
Variant type: Duplication.
Identifiers: ClinVar variation 1444900 (VCV001444900.5).

ClinVar aggregate classification (germline): Uncertain significance (1 of 4 stars; one submission).

Conditions:
Idiopathic generalized epilepsy. Also called: EIG; Generalised epilepsy. Identifiers: MedGen C0270850, MONDO:0005579, OMIM 600669.
Hyperaldosteronism, familial, type IV (HALD4). Also called: FH IV; ALDOSTERONISM, PRIMARY, AND HYPERTENSION. Identifiers: Orphanet 642671, MedGen C4310756, MONDO:0014875, OMIM 617027.

Submission:

Labcorp Genetics (formerly Invitae), Labcorp
Classification: Uncertain significance for Idiopathic generalized epilepsy; Hyperaldosteronism, familial, type IV. Last evaluated: 2023-12-22. Review status: criteria provided, single submitter. Criteria: Invitae Variant Classification Sherloc (09022015). Collection method: clinical testing. Allele origin: germline.
Comment: This variant results in a copy number gain of the genomic region encompassing exon(s) 28-35 of the CACNA1H gene. This region includes the termination codon of the gene. This copy number gain extends beyond the assayed region for this gene and therefore may encompass additional genes. As the precise location of this event is unknown, it may be in tandem or it may be located elsewhere in the genome. This variant has not been reported in the literature in individuals affected with CACNA1H-related conditions. In summary, the available evidence is currently insufficient to determine the role of this variant in disease. Therefore, it has been classified as a Variant of Uncertain Significance.